The following is an entry in ClinVar:

NM_001370259.2(MEN1):c.733C>G (p.Pro245Ala)

Gene: MEN1 (menin 1; minus strand). Cytogenetic location: 11q13.1.
Variant type: single nucleotide variant.
Coding change: c.733C>G on transcript NM_001370259.2 (MANE Select); coding-DNA position 733, C replaced by G.
Protein change: p.Pro245Ala; replaces proline 245 with alanine.
Molecular consequence: missense variant.
Genome position (GRCh38, 1-based): chr11:64,807,602, G>C on the plus strand (C>G on the coding strand, the complement: MEN1 is on the minus strand). VCF-style: chr11-64807602-G-C. GRCh37 (hg19) VCF-style: chr11-64575074-G-C.
Other names: c.733C>G, p.Pro245Ala (NM_001370261.2, NM_130799.3, NM_001370251.2 and 1 more transcripts); c.628C>G, p.Pro210Ala (NM_001370262.2, NM_001370263.2); c.748C>G, p.Pro250Ala (NM_130800.3, NM_130801.3, NM_130802.3 and 3 more transcripts); short protein forms P210A, P245A, P250A.
Identifiers: ClinVar variation 957372 (VCV000957372.9), dbSNP rs1373521153, ClinGen allele CA381184382.

ClinVar aggregate classification (germline): Uncertain significance (1 of 4 stars; one submission).

Conditions:
Multiple endocrine neoplasia, type 1 (MEN1). Also called: MEN I; WERMER SYNDROME; Endocrine adenomatosis multiple; MEN 1; MEA I. Identifiers: Orphanet 652, MedGen C0025267, MeSH D018761, MONDO:0007540, OMIM 131100.

Allele frequency attached by ClinVar (database versions not stated): gnomAD exomes below 0.00001.
gnomAD v4.1: 3 of 1,614,160 alleles (0.00019%); highest among the groups gnomAD compares: Non-Finnish European, 0.00025%; no homozygotes.

Submission:

Labcorp Genetics (formerly Invitae), Labcorp
Classification: Uncertain significance for Multiple endocrine neoplasia, type 1. Last evaluated: 2024-10-15. Review status: criteria provided, single submitter. Criteria: Invitae Variant Classification Sherloc (09022015). Collection method: clinical testing. Allele origin: germline.
Comment: This sequence change replaces proline, which is neutral and non-polar, with alanine, which is neutral and non-polar, at codon 245 of the MEN1 protein (p.Pro245Ala). This variant is present in population databases (no rsID available, gnomAD 0.0009%). This variant has not been reported in the literature in individuals affected with MEN1-related conditions. ClinVar contains an entry for this variant (Variation ID: 957372). Invitae Evidence Modeling of protein sequence and biophysical properties (such as structural, functional, and spatial information, amino acid conservation, physicochemical variation, residue mobility, and thermodynamic stability) has been performed for this missense variant. However, the output from this modeling did not meet the statistical confidence thresholds required to predict the impact of this variant on MEN1 protein function. In summary, the available evidence is currently insufficient to determine the role of this variant in disease. Therefore, it has been classified as a Variant of Uncertain Significance.